The following is an entry in ClinVar:

NM_000548.5(TSC2):c.103C>G (p.Gln35Glu)

Gene: TSC2 (TSC complex subunit 2; plus strand). Cytogenetic location: 16p13.3.
Variant type: single nucleotide variant.
Coding change: c.103C>G on transcript NM_000548.5 (MANE Select); coding-DNA position 103, C replaced by G.
Protein change: p.Gln35Glu; replaces glutamine 35 with glutamic acid.
Molecular consequence: missense variant. On other transcripts: 5 prime UTR variant (19), non-coding transcript variant (5), intron variant (6).
Genome position (GRCh38, 1-based): chr16:2,048,718, C>G. VCF-style: chr16-2048718-C-G. GRCh37 (hg19) VCF-style: chr16-2098719-C-G.
Other names: c.103C>G, p.Gln35Glu (NM_001077183.3, NM_001114382.3, NM_001318827.2 and 13 more transcripts); c.-124C>G (NM_001318831.2, NM_001406682.1, NM_001406684.1 and 2 more transcripts); c.136C>G, p.Gln46Glu (NM_001318832.2); c.-714C>G (NM_001406680.1, NM_001406683.1, NM_001406687.1); c.-343C>G (NM_001406681.1); c.-1329C>G (NM_001406689.1, NM_001406690.1, NM_001406691.1 and 2 more transcripts); c.-1635C>G (NM_001406693.1); c.-1210C>G (NM_001406694.1, NM_001406695.1); and 4 more; short protein forms Q35E, Q46E.
Identifiers: ClinVar variation 3329481 (VCV003329481.1).

ClinVar aggregate classification (germline): Uncertain significance (1 of 4 stars; one submission).

Conditions:
Hereditary cancer-predisposing syndrome. Also called: Neoplastic Syndromes, Hereditary; Tumor predisposition; Hereditary neoplastic syndrome; Hereditary Cancer Syndrome. Identifiers: Orphanet 140162, MedGen C0027672, MeSH D009386, MONDO:0015356.

Submission:

Ambry Genetics
Classification: Uncertain significance for Hereditary cancer-predisposing syndrome. Last evaluated: 2024-05-24. Review status: criteria provided, single submitter. Criteria: Ambry Variant Classification Scheme 2023. Collection method: clinical testing. Allele origin: germline.
Comment: The p.Q35E variant (also known as c.103C>G), located in coding exon 1 of the TSC2 gene, results from a C to G substitution at nucleotide position 103. The glutamine at codon 35 is replaced by glutamic acid, an amino acid with highly similar properties. This amino acid position is not well conserved in available vertebrate species. In addition, this alteration is predicted to be tolerated by in silico analysis. Based on the available evidence, the clinical significance of this variant remains unclear.